The following is an entry in ClinVar:

ClinVar aggregate classification (germline): Likely benign (0 of 4 stars; one submission).

Conditions:
KIF4B-related disorder. Also called: KIF4B-related condition.

Allele frequency attached by ClinVar (database versions not stated): ExAC 0.00001; gnomAD 0.00001; gnomAD exomes 0.00001.
gnomAD v4.1: 4 of 1,614,068 alleles (0.00025%); highest among the groups gnomAD compares: Admixed American, 0.0017%; no homozygotes.

Submission:

PreventionGenetics, part of Exact Sciences
Classification: Likely benign for KIF4B-related condition. Last evaluated: 2020-08-20. Review status: no assertion criteria provided. Collection method: clinical testing. Allele origin: germline.
Comment: This variant is classified as likely benign based on ACMG/AMP sequence variant interpretation guidelines (Richards et al. 2015 PMID: 25741868, with internal and published modifications).

NM_001099293.3(KIF4B):c.1494G>A (p.Val498=)

Gene: KIF4B (kinesin family member 4B; plus strand). Cytogenetic location: 5q33.2.
Variant type: single nucleotide variant.
Coding change: c.1494G>A on transcript NM_001099293.3 (MANE Select); coding-DNA position 1494, G replaced by A.
Protein change: p.Val498=; no amino-acid change (valine 498 retained).
Molecular consequence: synonymous variant.
Genome position (GRCh38, 1-based): chr5:155,015,353, G>A. VCF-style: chr5-155015353-G-A. GRCh37 (hg19) VCF-style: chr5-154394913-G-A.
Identifiers: ClinVar variation 3032081 (VCV003032081.2), dbSNP rs751045262, ClinGen allele CA3530036.